The following is an entry in ClinVar:

NM_001754.5(RUNX1):c.11A>G (p.Asp4Gly)

Gene: RUNX1 (RUNX family transcription factor 1; minus strand). Cytogenetic location: 21q22.12.
Variant type: single nucleotide variant.
Coding change: c.11A>G on transcript NM_001754.5 (MANE Select); coding-DNA position 11, A replaced by G.
Protein change: p.Asp4Gly; replaces aspartic acid 4 with glycine.
Molecular consequence: missense variant.
Genome position (GRCh38, 1-based): chr21:35,048,889, T>C on the plus strand (A>G on the coding strand, the complement: RUNX1 is on the minus strand). VCF-style: chr21-35048889-T-C. GRCh37 (hg19) VCF-style: chr21-36421186-T-C.
Other names: NM_001754.5(RUNX1):c.11A>G; p.Asp4Gly; short protein forms D4G.
Identifiers: ClinVar variation 239041 (VCV000239041.13), dbSNP rs534158221, ClinGen allele CA10014734.
Genomic context (GRCh38, chr21:35,048,889, plus strand): 5'-AGCATGTACTCACCTCTCATGAAGCACTGTGGGTACGAAGGAAATGACTCAAATATGCTG[T>C]CTGAAGCCATCGCTTCCTCCTGAAAATGCACCCTCTTCTGAAGGCGGGGGACTCAATGAT-3'
Protein context (NP_001745.2, residues 1-14): MAS[Asp4Gly]SIFESFPSYP

ClinVar aggregate classification (germline): Uncertain significance. Review status: reviewed by expert panel (3 of 4 stars). 5 submissions from 5 submitters: Uncertain significance (1). 4 of the submissions do not count toward it. Last evaluated 2024-08-16.

Conditions:
Hereditary thrombocytopenia and hematologic cancer predisposition syndrome. Identifiers: Orphanet 71290, MedGen CN281654, MONDO:0011071.
Inborn genetic diseases. Identifiers: MedGen C0950123, MeSH D030342.
Acute myeloid leukemia (AML). Also called: Acute myeloid leukemia, adult; AML adult; Acute non-lymphocytic leukemia; Acute granulocytic leukemia; Leukemia, acute myelogenous, somatic; Leukemia, acute myeloid, somatic. Identifiers: Orphanet 519, MedGen C0023467, MeSH D015470, MONDO:0018874, OMIM 601626, HP:0004808. Disease mechanism: Constitutively activated FLT3.
Hereditary thrombocytopenia and hematological cancer predisposition syndrome associated with RUNX1. Also called: RUNX1 Familial Platelet Disorder with Associated Myeloid Malignancies; Familial Platelet Disorder with Propensity to Acute Myelogenous Leukemia; PLATELET DISORDER, ASPIRIN-LIKE; Familial thrombocytopenia with propensity to acute myelogenous leukemia. Identifiers: Orphanet 71290, MedGen C1832388, MeSH C563324, MONDO:0100083, OMIM 601399.

Allele frequency attached by ClinVar (database versions not stated): ExAC 0.00001; gnomAD 0.00001; gnomAD exomes 0.00001; TOPMed 0.00001; 1000 Genomes Project 0.00020; 1000 Genomes Project 30x 0.00031.
gnomAD v4.1: 10 of 1,613,926 alleles (0.00062%); highest among the groups gnomAD compares: Middle Eastern, 0.016%; no homozygotes.

Submissions (5):

ClinGen Myeloid Malignancy Variant Curation Expert Panel
Classification: Uncertain significance for Hereditary thrombocytopenia and hematologic cancer predisposition syndrome. Last evaluated: 2024-08-16. Review status: reviewed by expert panel. Criteria: ClinGen MyeloMalig ACMG Specifications v2. Collection method: curation. Allele origin: germline. Inheritance: Autosomal dominant inheritance.
Comment: NM_001754.5(RUNX1):c.11A>G (p.Asp4Gly) is a missense variant which does not meet any ACMG/AMP criteria. In summary, the clinical significance of this variant is uncertain. ACMG/AMP criteria applied, as specified by the Myeloid Malignancy Variant Curation Expert Panel for RUNX1: None.

Ambry Genetics
Classification: Uncertain significance for Inborn genetic diseases. Last evaluated: 2026-09-04. Review status: criteria provided, single submitter. Criteria: Ambry Variant Classification Scheme 2023. Collection method: clinical testing. Allele origin: germline. Not counted in ClinVar's aggregate classification.
Comment: The p.D4G variant (also known as c.11A>G), located in coding exon 1 of the RUNX1 gene, results from an A to G substitution at nucleotide position 11. The aspartic acid at codon 4 is replaced by glycine, an amino acid with similar properties. This amino acid position is not well conserved in available vertebrate species. In addition, the in silico prediction for this alteration is inconclusive. Based on the available evidence, the clinical significance of this variant remains unclear.

GeneDx
Classification: Uncertain significance. Last evaluated: 2025-04-27. Review status: criteria provided, single submitter. Criteria: GeneDx Variant Classification Process June 2021. Collection method: clinical testing. Allele origin: germline. Not counted in ClinVar's aggregate classification.
Comment: In silico analysis supports that this missense variant has a deleterious effect on protein structure/function; Not observed at significant frequency in large population cohorts (gnomAD); Has not been previously published as pathogenic or benign to our knowledge

Labcorp Genetics (formerly Invitae), Labcorp
Classification: Uncertain significance for Hereditary thrombocytopenia and hematological cancer predisposition syndrome associated with RUNX1. Last evaluated: 2024-11-05. Review status: criteria provided, single submitter. Criteria: Invitae Variant Classification Sherloc (09022015). Collection method: clinical testing. Allele origin: germline. Not counted in ClinVar's aggregate classification.
Comment: This sequence change replaces aspartic acid, which is acidic and polar, with glycine, which is neutral and non-polar, at codon 4 of the RUNX1 protein (p.Asp4Gly). This variant is present in population databases (rs534158221, gnomAD 0.006%). This variant has not been reported in the literature in individuals affected with RUNX1-related conditions. ClinVar contains an entry for this variant (Variation ID: 239041). An algorithm developed to predict the effect of missense changes on protein structure and function (PolyPhen-2) suggests that this variant is likely to be tolerated. In summary, the available evidence is currently insufficient to determine the role of this variant in disease. Therefore, it has been classified as a Variant of Uncertain Significance.

Baylor Genetics
Classification: Uncertain significance for Acute myeloid leukemia. Last evaluated: 2023-09-14. Review status: criteria provided, single submitter. Criteria: ACMG Guidelines, 2015. Collection method: clinical testing. Allele origin: unknown. Not counted in ClinVar's aggregate classification.